The following is an entry in ClinVar:

ClinVar aggregate classification (germline): Pathogenic (1 of 4 stars; one submission).

Conditions:
Developmental and epileptic encephalopathy 94 (DEE94). Also called: CHD2-Related Neurodevelopmental Disorders; Epileptic encephalopathy, childhood-onset. Identifiers: Orphanet 1942, Orphanet 2382, MedGen C3809278, MONDO:0014150, OMIM 615369.

Submission:

Labcorp Genetics (formerly Invitae), Labcorp
Classification: Pathogenic for Developmental and epileptic encephalopathy 94. Last evaluated: 2023-09-22. Review status: criteria provided, single submitter. Criteria: Invitae Variant Classification Sherloc (09022015). Collection method: clinical testing. Allele origin: germline.
Comment: This sequence change creates a premature translational stop signal (p.Gln63Argfs*30) in the CHD2 gene. It is expected to result in an absent or disrupted protein product. Loss-of-function variants in CHD2 are known to be pathogenic (PMID: 23708187, 24207121). This variant is not present in population databases (gnomAD no frequency). This variant has not been reported in the literature in individuals affected with CHD2-related conditions. For these reasons, this variant has been classified as Pathogenic.

Literature cited by the submitters: PubMed 23708187; PubMed 24207121.

NM_001271.4(CHD2):c.188_191del (p.Gln63fs)

Gene: CHD2 (chromodomain helicase DNA binding protein 2; plus strand). Cytogenetic location: 15q26.1.
Variant type: Microsatellite.
Coding change: c.188_191del on transcript NM_001271.4 (MANE Select); coding-DNA positions 188 to 191, 4 bases deleted (AGTC; older notation c.188_191delAGTC).
Protein change: p.Gln63fs; shifts the reading frame from glutamine 63.
Molecular consequence: frameshift variant.
Genome position (GRCh38, 1-based): chr15:92,924,446-92,924,449, AGTC deleted; deleting any 4 consecutive bases within chr15:92,924,442-92,924,449 gives the same sequence; the c. name uses the placement nearest the transcript's 3' end. VCF-style (leftmost placement, unchanged base first): chr15-92924441-GAGTC-G. GRCh37 (hg19) VCF-style: chr15-93467671-GAGTC-G.
Other names: c.188_191del, p.Gln63fs (NM_001042572.3); short protein forms Q63fs.
Identifiers: ClinVar variation 2762787 (VCV002762787.3), dbSNP rs2505384499, ClinGen allele CA2697549401.